The following is an entry in ClinVar:

NM_173495.3(PTCHD1):c.1222A>C (p.Ile408Leu)

Gene: PTCHD1 (patched domain containing 1; plus strand). Cytogenetic location: Xp22.11.
Variant type: single nucleotide variant.
Coding change: c.1222A>C on transcript NM_173495.3 (MANE Select); coding-DNA position 1222, A replaced by C.
Protein change: p.Ile408Leu; replaces isoleucine 408 with leucine.
Molecular consequence: missense variant.
Genome position (GRCh38, 1-based): chrX:23,392,740, A>C. VCF-style: chrX-23392740-A-C. GRCh37 (hg19) VCF-style: chrX-23410857-A-C.
Other names: short protein forms I408L.
Identifiers: ClinVar variation 4540087 (VCV004540087.1).

ClinVar aggregate classification (germline): Uncertain significance (1 of 4 stars; one submission).

Submission:

GeneDx
Classification: Uncertain significance. Last evaluated: 2025-06-24. Review status: criteria provided, single submitter. Criteria: GeneDx Variant Classification Process June 2021. Collection method: clinical testing. Allele origin: germline. Affected: yes.
Comment: Not observed at significant frequency in large population cohorts (gnomAD); In silico analysis suggests that this missense variant does not alter protein structure/function; Has not been previously published as pathogenic or benign to our knowledge